The following is an entry in ClinVar:

NM_002335.4(LRP5):c.2872C>G (p.Arg958Gly)

Gene: LRP5 (LDL receptor related protein 5; plus strand). Cytogenetic location: 11q13.2.
Variant type: single nucleotide variant.
Coding change: c.2872C>G on transcript NM_002335.4 (MANE Select); coding-DNA position 2872, C replaced by G.
Protein change: p.Arg958Gly; replaces arginine 958 with glycine.
Molecular consequence: missense variant.
Genome position (GRCh38, 1-based): chr11:68,416,372, C>G. VCF-style: chr11-68416372-C-G. GRCh37 (hg19) VCF-style: chr11-68183840-C-G.
Other names: c.1129C>G, p.Arg377Gly (NM_001291902.2); short protein forms R377G, R958G.
Identifiers: ClinVar variation 2832550 (VCV002832550.3), dbSNP rs754174678, ClinGen allele CA381619722.

ClinVar aggregate classification (germline): Uncertain significance (1 of 4 stars; one submission).

Submission:

Labcorp Genetics (formerly Invitae), Labcorp
Classification: Uncertain significance. Last evaluated: 2023-01-28. Review status: criteria provided, single submitter. Criteria: Invitae Variant Classification Sherloc (09022015). Collection method: clinical testing. Allele origin: germline.
Comment: This sequence change replaces arginine, which is basic and polar, with glycine, which is neutral and non-polar, at codon 958 of the LRP5 protein (p.Arg958Gly). This variant is not present in population databases (gnomAD no frequency). This variant has not been reported in the literature in individuals affected with LRP5-related conditions. Advanced modeling of protein sequence and biophysical properties (such as structural, functional, and spatial information, amino acid conservation, physicochemical variation, residue mobility, and thermodynamic stability) performed at Invitae indicates that this missense variant is expected to disrupt LRP5 protein function. In summary, the available evidence is currently insufficient to determine the role of this variant in disease. Therefore, it has been classified as a Variant of Uncertain Significance.